The following is an entry in ClinVar:

NM_004380.3(CREBBP):c.6930G>T (p.Gln2310His)

Gene: CREBBP (CREB binding lysine acetyltransferase; minus strand). Cytogenetic location: 16p13.3.
Variant type: single nucleotide variant.
Coding change: c.6930G>T on transcript NM_004380.3 (MANE Select); coding-DNA position 6930, G replaced by T.
Protein change: p.Gln2310His; replaces glutamine 2310 with histidine.
Molecular consequence: missense variant.
Genome position (GRCh38, 1-based): chr16:3,728,117, C>A on the plus strand (G>T on the coding strand, the complement: CREBBP is on the minus strand). VCF-style: chr16-3728117-C-A. GRCh37 (hg19) VCF-style: chr16-3778118-C-A.
Other names: c.6930G>T (NM_004380.2); c.6816G>T, p.Gln2272His (NM_001079846.1); short protein forms Q2310H, Q2272H.
Identifiers: ClinVar variation 2068474 (VCV002068474.6), dbSNP rs764944681, ClinGen allele CA7868978.

ClinVar aggregate classification (germline): Conflicting classifications of pathogenicity. Review status: criteria provided, conflicting classifications (1 of 4 stars). 2 submissions from 2 submitters: Uncertain significance (1); Benign (1). Last evaluated 2026-09-09.

Conditions:
CREBBP-related disorder. Also called: CREBBP-related disorders; CREBBP-related condition.
Rubinstein-Taybi syndrome (RSTS). Identifiers: Orphanet 783, MedGen C0035934, MONDO:0019188.

Allele frequency attached by ClinVar (database versions not stated): gnomAD 0.00001; gnomAD exomes 0.00001; ExAC 0.00003.
gnomAD v4.1: 8 of 1,614,056 alleles (0.0005%); highest among the groups gnomAD compares: Admixed American, 0.013%; no homozygotes.

Submissions (2):

PreventionGenetics, part of Exact Sciences
Classification: Uncertain significance for CREBBP-related condition. Last evaluated: 2026-09-09. Review status: criteria provided, single submitter. Criteria: ACMG Guidelines, 2015. Collection method: clinical testing. Allele origin: germline.
Comment: The CREBBP c.6930G>T variant is predicted to result in the amino acid substitution p.Gln2310His. To our knowledge, this variant has not been reported in the literature. This variant is reported in 0.017% of alleles in individuals of Latino descent in gnomAD. At this time, the clinical significance of this variant is uncertain due to the absence of conclusive functional and genetic evidence.

Labcorp Genetics (formerly Invitae), Labcorp
Classification: Benign for Rubinstein-Taybi syndrome. Last evaluated: 2024-04-05. Review status: criteria provided, single submitter. Criteria: Invitae Variant Classification Sherloc (09022015). Collection method: clinical testing. Allele origin: germline.